The following is an entry in ClinVar:

NC_000003.12:g.(?_10141635)_(10142187_?)del

Gene: VHL (von Hippel-Lindau tumor suppressor; plus strand). Cytogenetic location: 3p25.3.
Variant type: Deletion.
Identifiers: ClinVar variation 417616 (VCV000417616.1).

ClinVar aggregate classification (germline): Pathogenic (1 of 4 stars; one submission).

Conditions:
Chuvash polycythemia. Also called: POLYCYTHEMIA, VHL-DEPENDENT. Identifiers: Orphanet 238557, MedGen C1837915, MONDO:0009892, OMIM 263400.
Von Hippel-Lindau syndrome (VHLS). Also called: Von Hippel-Lindau; von Hippel–Lindau syndrome; VHL syndrome. Identifiers: Orphanet 892, MedGen C0019562, MONDO:0008667, OMIM 193300. Disease mechanism: loss of function.

Submission:

Labcorp Genetics (formerly Invitae), Labcorp
Classification: Pathogenic for Von Hippel-Lindau syndrome; Chuvash polycythemia. Last evaluated: 2016-10-05. Review status: criteria provided, single submitter. Criteria: Invitae Variant Classification Sherloc (09022015). Collection method: clinical testing. Allele origin: germline.
Comment: This variant is a gross deletion of the genomic region encompassing exon 1 of the VHL gene, which includes the initiator codon. The 5' end of this event is unknown as it extends beyond the assayed region for this gene and therefore may encompass additional genes. The 3' boundary is likely confined to intron 1 of the VHL gene. This is expected to result in an absent or disrupted protein product. Loss-of-function variants including gross deletions in VHL are known to be pathogenic. Deletions of exon 1 have been reported in the literature in several families and individuals affected with von Hippel-Lindau syndrome (PMID: 10830910, 8069305, 19764026). For these reasons, this variant has been classified as Pathogenic.